The following is an entry in ClinVar:

NM_000426.4(LAMA2):c.12del (p.Ala5fs)

Gene: LAMA2 (laminin subunit alpha 2; plus strand). Cytogenetic location: 6q22.33.
Variant type: Deletion.
Coding change: c.12del on transcript NM_000426.4 (MANE Select); coding-DNA position 12, one base deleted (C; older notation c.12delC).
Protein change: p.Ala5fs; shifts the reading frame from alanine 5.
Molecular consequence: frameshift variant.
Genome position (GRCh38, 1-based): chr6:128,883,257, C deleted; the last of 2 consecutive C bases (chr6:128,883,256-128,883,257); deleting either gives the same sequence. VCF-style (leftmost placement, unchanged base first): chr6-128883255-GC-G. GRCh37 (hg19) VCF-style: chr6-129204400-GC-G.
Other names: c.12delC (NM_000426.3); c.12del, p.Ala5fs (NM_001079823.2); short protein forms A5fs.
Identifiers: ClinVar variation 524103 (VCV000524103.11), dbSNP rs1554312639, ClinGen allele CA658796818.

ClinVar aggregate classification (germline): Pathogenic/Likely pathogenic. Review status: criteria provided, multiple submitters, no conflicts (2 of 4 stars). 3 submissions from 3 submitters: Pathogenic (2); Likely pathogenic (1). Last evaluated 2026-09-09.

Conditions:
LAMA2-related muscular dystrophy (LAMA2-RD). Also called: Laminin alpha 2-related dystrophy. Identifiers: MedGen C5679788, MONDO:0100228.

Submissions (3):

Myriad Genetics, Inc.
Classification: Pathogenic for LAMA2-related muscular dystrophy. Last evaluated: 2026-09-09. Review status: criteria provided, single submitter. Criteria: Myriad Autosomal Dominant, Autosomal Recessive and X-Linked Classification Criteria (2023). Collection method: clinical testing. Allele origin: unknown.
Comment: NM_000426.3(LAMA2):c.12delC(A5Pfs*40) is expected to be pathogenic in the context of muscular dystrophy, LAMA2-related. This variant is predicted to lead to an abnormal or absent protein product due to the creation of a premature termination codon in LAMA2, a gene where loss-of-function variants are known to be pathogenic. Please note: this variant was assessed in the context of healthy population screening.

Labcorp Genetics (formerly Invitae), Labcorp
Classification: Pathogenic for LAMA2-related muscular dystrophy. Last evaluated: 2022-02-04. Review status: criteria provided, single submitter. Criteria: Invitae Variant Classification Sherloc (09022015). Collection method: clinical testing. Allele origin: germline.
Comment: For these reasons, this variant has been classified as Pathogenic. ClinVar contains an entry for this variant (Variation ID: 524103). This variant has not been reported in the literature in individuals affected with LAMA2-related conditions. This variant is not present in population databases (gnomAD no frequency). This sequence change creates a premature translational stop signal (p.Ala5Profs*40) in the LAMA2 gene. It is expected to result in an absent or disrupted protein product. Loss-of-function variants in LAMA2 are known to be pathogenic (PMID: 18700894, 32904964).

GeneDx
Classification: Likely pathogenic. Last evaluated: 2018-04-24. Review status: criteria provided, single submitter. Criteria: GeneDx Variant Classification (06012015). Collection method: clinical testing. Allele origin: germline. Affected: yes.
Comment: The c.12delC variant in the LAMA2 gene has not been reported previously as a pathogenic variant nor as a benign variant, to our knowledge. The c.12delC variant causes a frameshift starting with codon Alanine 5, changes this amino acid to a Proline residue, and creates a premature Stop codon at position 40 of the new reading frame, denoted p.Ala5ProfsX40. This variant is predicted to cause loss of normal protein function either through protein truncation or nonsense-mediated mRNA decay. The c.12delC variant is not observed in large population cohorts (Lek et al., 2016). We interpret c.12delC as a likely pathogenic variant.

Literature cited by the submitters: PubMed 18700894 (cited by Labcorp Genetics (formerly Invitae), Labcorp); PubMed 32904964 (cited by Labcorp Genetics (formerly Invitae), Labcorp).